The following is an entry in ClinVar:

ClinVar aggregate classification (germline): Uncertain significance (1 of 4 stars; one submission).

Submission:

Labcorp Genetics (formerly Invitae), Labcorp
Classification: Uncertain significance. Last evaluated: 2022-03-22. Review status: criteria provided, single submitter. Criteria: Invitae Variant Classification Sherloc (09022015). Collection method: clinical testing. Allele origin: germline.
Comment: This sequence change replaces aspartic acid, which is acidic and polar, with asparagine, which is neutral and polar, at codon 166 of the SNIP1 protein (p.Asp166Asn). This variant is not present in population databases (gnomAD no frequency). This variant has not been reported in the literature in individuals affected with SNIP1-related conditions. Algorithms developed to predict the effect of missense changes on protein structure and function output the following: SIFT: "Tolerated"; PolyPhen-2: "Benign"; Align-GVGD: "Class C0". The asparagine amino acid residue is found in multiple mammalian species, which suggests that this missense change does not adversely affect protein function. In summary, the available evidence is currently insufficient to determine the role of this variant in disease. Therefore, it has been classified as a Variant of Uncertain Significance.

NM_024700.4(SNIP1):c.496G>A (p.Asp166Asn)

Genes: SNIP1 (Smad nuclear interacting protein 1; minus strand), LOC126805704 (BRD4-independent group 4 enhancer GRCh37_chr1:38005292-38006491; plus strand). Cytogenetic location: 1p34.3.
Variant type: single nucleotide variant.
Coding change: c.496G>A on transcript NM_024700.4 (MANE Select); coding-DNA position 496, G replaced by A.
Protein change: p.Asp166Asn; replaces aspartic acid 166 with asparagine.
Molecular consequence: missense variant.
Genome position (GRCh38, 1-based): chr1:37,540,587, C>T on the plus strand (G>A on the coding strand, the complement: SNIP1 is on the minus strand). VCF-style: chr1-37540587-C-T. GRCh37 (hg19) VCF-style: chr1-38006188-C-T.
Other names: short protein forms D166N.
Identifiers: ClinVar variation 1509414 (VCV001509414.6), dbSNP rs2148112910, ClinGen allele CA339451968.
Genomic context (GRCh38, chr1:37,540,587, plus strand): 5'-GCCTGGCATTATAAAACTCCCGCTCTTCTTCCTGAGCCTGCAGGTTCTGAGTGTCTCGAT[C>T]CCGTCCCTGACCCTGCCCACTCCCAGGCCTCTCGTTAGACGTTCTCCTTTGGTGGGAATG-3'
Protein context (NP_078976.2, residues 156-176): RPGSGQGQGR[Asp166Asn]RDTQNLQAQE